The following is an entry in ClinVar:

NC_000002.11:g.(?_96780545)_(96994037_?)dup

Genes: ADRA2B (adrenoceptor alpha 2B; minus strand), ASTL (astacin like metalloendopeptidase; minus strand), CIAO1 (cytosolic iron-sulfur assembly component 1; plus strand), DUSP2 (dual specificity phosphatase 2; minus strand), ITPRIPL1 (ITPRIP like 1; plus strand) and 3 more. Cytogenetic location: 2q11.1-11.2.
Variant type: Duplication.
Identifiers: ClinVar variation 831315 (VCV000831315.1).

ClinVar aggregate classification (germline): Uncertain significance (1 of 4 stars; one submission).

Submission:

Labcorp Genetics (formerly Invitae), Labcorp
Classification: Uncertain significance. Last evaluated: 2019-11-25. Review status: criteria provided, single submitter. Criteria: Invitae Variant Classification Sherloc (09022015). Collection method: clinical testing. Allele origin: germline.
Comment: This variant results in a copy number gain of the genomic region encompassing the full coding sequence of the SNRNP200 gene. The boundaries of this event are unknown as they extend beyond the assayed region for this gene and therefore may encompass additional genes. As the precise location of this event is unknown, it may be in tandem or it may be located elsewhere in the genome. This variant has not been reported in the literature in individuals with SNRNP200-related conditions. In summary, the available evidence is currently insufficient to determine the role of this variant in disease. Therefore, it has been classified as a Variant of Uncertain Significance.